The following is an entry in ClinVar:

ClinVar aggregate classification (germline): Conflicting classifications of pathogenicity. Review status: criteria provided, conflicting classifications (1 of 4 stars). 3 submissions from 3 submitters: Likely pathogenic (1); Uncertain significance (2). Last evaluated 2024-06-19.

Conditions:
Roifman syndrome (RFMN). Also called: SPONDYLOEPIPHYSEAL DYSPLASIA, RETINAL DYSTROPHY, AND ANTIBODY DEFICIENCY. Identifiers: Orphanet 353298, MedGen C1846059, MONDO:0014722, OMIM 616651.

gnomAD v4.1: 16 of 692,862 alleles (0.0023%); highest among the groups gnomAD compares: South Asian, 0.0059%; no homozygotes.

Submissions (3):

Blueprint Genetics
Classification: Uncertain significance. Last evaluated: 2024-06-19. Review status: criteria provided, single submitter. Criteria: ACMG Guidelines, 2015. Collection method: clinical testing. Allele origin: germline.

Broad Center for Mendelian Genomics, Broad Institute of MIT and Harvard
Classification: Likely pathogenic for Roifman syndrome. Last evaluated: 2023-05-02. Review status: criteria provided, single submitter. Criteria: ACMG Guidelines, 2015. Collection method: curation. Allele origin: germline. Inheritance: Autosomal recessive inheritance.
Comment: The heterozygous n.7C>G variant in RNU4ATAC was identified by our study, in the compound heterozygous state with a pathogenic variant (ClinVar Variation ID: 1403727), in three siblings with microcephaly, retinal anomalies, motor delay, bronchiectasis, and multiple endocrine anomalies. Familial exome analysis revealed that this variant was in trans with a pathogenic variant (ClinVar Variation ID: 1403727). The n.7C>G variant in RNU4ATAC has not been previously reported in individuals with Roifman syndrome but has been identified in 0.0065% (1/15286) of Latino/Admixed American chromosomes by the Genome Aggregation Database (gnomAD; dbSNP ID: rs370715569). Although this variant has been seen in the general population in a heterozygous state, its frequency is low enough to be consistent with a recessive carrier frequency. This variant segregated with disease in the three affected individuals in the family identified by our study. Two different nucleotide changes at this site that have the same predicted impact have been reported pathogenic or likely pathogenic in the literature and/or in ClinVar, n.7G>A (PMID: 26522830, PMID: 32628740, Variation ID: 218086) and n.7G>T (Variation ID: 692040) have been reported pathogenic or likely pathogenic in the literature and in ClinVar. Multiple variants in the same region as n.7C>G have been reported in association with disease in the literature and the n.7C>G variant is located in a region of RNU4ATAC that is essential to its spliceosome activity, suggesting that this variant is in a key functional domain and slightly supports pathogenicity (PMID: 32628740). Computational prediction tools and conservation analyses suggest that this variant may impact the protein, though this information is not predictive enough to determine pathogenicity. In summary, although additional studies are required to fully establish its clinical significance, this variant is likely pathogenic for autosomal recessive Roifman syndrome. ACMG/AMP Criteria applied: PS1_Supporting, PM3, PM1_Supporting, PM2_Supporting, PP1, PP3 (Richards 2015).

Labcorp Genetics (formerly Invitae), Labcorp
Classification: Uncertain significance. Last evaluated: 2022-07-19. Review status: criteria provided, single submitter. Criteria: Invitae Variant Classification Sherloc (09022015). Collection method: clinical testing. Allele origin: germline.
Comment: This variant occurs in the RNU4ATAC gene, which encodes an RNA molecule that does not result in a protein product. This variant is present in population databases (no rsID available, gnomAD 0.004%). This variant has not been reported in the literature in individuals affected with RNU4ATAC-related conditions. Experimental studies and prediction algorithms are not available or were not evaluated, and the functional significance of this variant is currently unknown. This variant disrupts the n.8C nucleotide in the RNU4ATAC gene. Other variant(s) that disrupt this nucleotide have been determined to be pathogenic (PMID: 26522830, 32628740; Invitae). This suggests that this nucleotide is clinically significant, and that variants that disrupt this position are likely to be disease-causing. In summary, the available evidence is currently insufficient to determine the role of this variant in disease. Therefore, it has been classified as a Variant of Uncertain Significance.

Literature cited by the submitters: PubMed 26522830 (cited by Labcorp Genetics (formerly Invitae), Labcorp); PubMed 32628740 (cited by Labcorp Genetics (formerly Invitae), Labcorp).

NM_001395891.1(CLASP1):c.196-562G>C

Genes: CLASP1 (cytoplasmic linker associated protein 1; minus strand), CLASP1-AS1 (CLASP1 antisense RNA 1; plus strand), RNU4ATAC (RNA, U4atac small nuclear; plus strand). Cytogenetic location: 2q14.2.
Variant type: single nucleotide variant.
Coding change: c.196-562G>C on transcript NM_001395891.1 (MANE Select); 562 bases into the intron before coding-DNA position 196, G replaced by C.
Molecular consequence: intron variant.
Genome position (GRCh38, 1-based): chr2:121,530,887, C>G on the plus strand (G>C on the coding strand, the complement: CLASP1 is on the minus strand). VCF-style: chr2-121530887-C-G. GRCh37 (hg19) VCF-style: chr2-122288463-C-G.
Other names: NM_001395891.1:c.196-562G>C; c.196-562G>C (NM_001142274.2, NM_015282.3, NM_001378003.1 and 4 more transcripts).
Identifiers: ClinVar variation 1944546 (VCV001944546.4), dbSNP rs370715569, ClinGen allele CA428887779.
Genomic context (GRCh38, chr2:121,530,887, plus strand): 5'-AACCCTACCAGGTATTGGCGCTTCCTGCTTGCAGCCCAGGGACTTTCTATTATAACCATC[C>G]TTTTCTTGGGGTTGCGCTACTGTCCAATGAGCGCATAGTGAGGGCAGTACTGCTAACGCC-3'